The following is an entry in ClinVar:

ClinVar aggregate classification (germline): Uncertain significance. Review status: criteria provided, multiple submitters, no conflicts (2 of 4 stars). 3 submissions from 3 submitters: Uncertain significance (3). Last evaluated 2024-10-23.

Allele frequency attached by ClinVar (database versions not stated): TOPMed 0.00004; gnomAD exomes 0.00006 and 0.00008; ESP Exome Variant Server 0.00008; gnomAD 0.00009; ExAC 0.00015; 1000 Genomes Project 30x 0.00016; 1000 Genomes Project 0.00020.
gnomAD v4.1: 117 of 1,613,996 alleles (0.0072%); highest among the groups gnomAD compares: Middle Eastern, 0.15%; no homozygotes.

Submissions (3):

Labcorp Genetics (formerly Invitae), Labcorp
Classification: Uncertain significance. Last evaluated: 2024-10-23. Review status: criteria provided, single submitter. Criteria: Invitae Variant Classification Sherloc (09022015). Collection method: clinical testing. Allele origin: germline.
Comment: This sequence change replaces threonine, which is neutral and polar, with alanine, which is neutral and non-polar, at codon 366 of the ADGRA3 protein (p.Thr366Ala). This variant is present in population databases (rs200053006, gnomAD 0.01%). This variant has not been reported in the literature in individuals affected with ADGRA3-related conditions. ClinVar contains an entry for this variant (Variation ID: 963316). An algorithm developed to predict the effect of missense changes on protein structure and function (PolyPhen-2) suggests that this variant is likely to be disruptive. In summary, the available evidence is currently insufficient to determine the role of this variant in disease. Therefore, it has been classified as a Variant of Uncertain Significance.

Ambry Genetics
Classification: Uncertain significance. Last evaluated: 2024-03-07. Review status: criteria provided, single submitter. Criteria: Ambry Variant Classification Scheme 2023. Collection method: clinical testing. Allele origin: germline.

Breakthrough Genomics
Classification: Uncertain significance. Review status: criteria provided, single submitter. Criteria: ACMG Guidelines, 2015. Collection method: not provided. Allele origin: germline. Inheritance: Unknown mechanism. Affected: yes.

NM_145290.4(ADGRA3):c.1096A>G (p.Thr366Ala)

Gene: ADGRA3 (adhesion G protein-coupled receptor A3; minus strand). Cytogenetic location: 4p15.2.
Variant type: single nucleotide variant.
Coding change: c.1096A>G on transcript NM_145290.4 (MANE Select); coding-DNA position 1096, A replaced by G.
Protein change: p.Thr366Ala; replaces threonine 366 with alanine.
Molecular consequence: missense variant.
Genome position (GRCh38, 1-based): chr4:22,436,631, T>C on the plus strand (A>G on the coding strand, the complement: ADGRA3 is on the minus strand). VCF-style: chr4-22436631-T-C. GRCh37 (hg19) VCF-style: chr4-22438254-T-C.
Other names: c.1096A>G (NM_145290.2); short protein forms T366A.
Identifiers: ClinVar variation 963316 (VCV000963316.10), dbSNP rs200053006, ClinGen allele CA2874039.